The following is an entry in ClinVar:

ClinVar aggregate classification (germline): Uncertain significance (1 of 4 stars; one submission).

Allele frequency attached by ClinVar (database versions not stated): gnomAD 0.00001; TOPMed 0.00001; ESP Exome Variant Server 0.00008.
gnomAD v4.1: 1 of 1,613,730 alleles (0.000062%); highest among the groups gnomAD compares: African/African-American, 0.0013%; no homozygotes.

Submission:

Labcorp Genetics (formerly Invitae), Labcorp
Classification: Uncertain significance. Last evaluated: 2022-12-14. Review status: criteria provided, single submitter. Criteria: Invitae Variant Classification Sherloc (09022015). Collection method: clinical testing. Allele origin: germline.
Comment: In summary, the available evidence is currently insufficient to determine the role of this variant in disease. Therefore, it has been classified as a Variant of Uncertain Significance. Algorithms developed to predict the effect of sequence changes on RNA splicing suggest that this variant may create or strengthen a splice site. Advanced modeling of protein sequence and biophysical properties (such as structural, functional, and spatial information, amino acid conservation, physicochemical variation, residue mobility, and thermodynamic stability) performed at Invitae indicates that this missense variant is expected to disrupt INTU protein function. This variant has not been reported in the literature in individuals affected with INTU-related conditions. This variant is not present in population databases (gnomAD no frequency). This sequence change replaces leucine, which is neutral and non-polar, with glutamine, which is neutral and polar, at codon 592 of the INTU protein (p.Leu592Gln).

NM_015693.4(INTU):c.1775T>A (p.Leu592Gln)

Gene: INTU (inturned planar cell polarity protein; plus strand). Cytogenetic location: 4q28.1.
Variant type: single nucleotide variant.
Coding change: c.1775T>A on transcript NM_015693.4 (MANE Select); coding-DNA position 1775, T replaced by A.
Protein change: p.Leu592Gln; replaces leucine 592 with glutamine.
Molecular consequence: missense variant.
Genome position (GRCh38, 1-based): chr4:127,705,799, T>A. VCF-style: chr4-127705799-T-A. GRCh37 (hg19) VCF-style: chr4-128626954-T-A.
Other names: short protein forms L592Q.
Identifiers: ClinVar variation 2780631 (VCV002780631.3), dbSNP rs376140813, ClinGen allele CA105639564.